The following is an entry in ClinVar:

NM_000092.5(COL4A4):c.3626_3627del (p.Lys1209fs)

Gene: COL4A4 (collagen type IV alpha 4 chain; minus strand). Cytogenetic location: 2q36.3.
Variant type: Deletion.
Coding change: c.3626_3627del on transcript NM_000092.5 (MANE Select); coding-DNA positions 3626 to 3627, 2 bases deleted (AA; older notation c.3626_3627delAA).
Protein change: p.Lys1209fs; shifts the reading frame from lysine 1209.
Molecular consequence: frameshift variant.
Genome position (GRCh38, 1-based): chr2:227,032,227-227,032,228, TT deleted on the plus strand (AA on the coding strand, the reverse complement: COL4A4 is on the minus strand); deleting any 2 consecutive bases within chr2:227,032,227-227,032,230 gives the same sequence; the c. name uses the placement nearest the transcript's 3' end. VCF-style (leftmost placement, unchanged base first): chr2-227032226-CTT-C. GRCh37 (hg19) VCF-style: chr2-227896942-CTT-C.
Other names: short protein forms K1209fs.
Identifiers: ClinVar variation 1725701 (VCV001725701.2), dbSNP rs2473355271, ClinGen allele CA2580065884.

ClinVar aggregate classification (germline): Likely pathogenic (1 of 4 stars; one submission).

Conditions:
Autosomal recessive Alport syndrome (ATS2). Also called: COL4A3-Related Nephropathy; COL4A4 Alport Syndrome and Thin Basement Membrane Nephropathy; ALPORT SYNDROME 2, AUTOSOMAL RECESSIVE; Alport syndrome type 2. Identifiers: Orphanet 63, Orphanet 88919, MedGen C4746745, MONDO:0008762, OMIM 203780.

Submission:

Myriad Genetics, Inc.
Classification: Likely pathogenic for Autosomal recessive Alport syndrome. Last evaluated: 2022-03-31. Review status: criteria provided, single submitter. Criteria: Myriad Women's Health Autosomal Recessive and X-Linked Classification Criteria (2021). Collection method: clinical testing. Allele origin: unknown.
Comment: NM_000092.4(COL4A4):c.3626_3627delAA(K1209Rfs*43) is expected to be pathogenic in the context of COL4A4-related Alport syndrome. This variant is predicted to lead to an abnormal or absent protein product due to the creation of a premature termination codon in COL4A4, a gene where loss-of-function variants are known to be pathogenic. Please note: this variant was assessed in the context of healthy population screening.